The following is an entry in ClinVar:

ClinVar aggregate classification (germline): Likely benign. Review status: criteria provided, multiple submitters, no conflicts (2 of 4 stars). 3 submissions from 3 submitters: Likely benign (3). Last evaluated 2026-06-01.

Conditions:
Hereditary cancer-predisposing syndrome. Also called: Neoplastic Syndromes, Hereditary; Hereditary Cancer Syndrome; Tumor predisposition; Hereditary neoplastic syndrome. Identifiers: Orphanet 140162, MedGen C0027672, MeSH D009386, MONDO:0015356.
Gastrointestinal stromal tumor. Also called: Gastrointestinal stromal tumor, somatic; Gastrointestinal stroma tumor. Identifiers: Orphanet 44890, MedGen C0238198, MeSH D046152, MONDO:0011719, OMIM 606764, HP:0100723.

Allele frequency attached by ClinVar (database versions not stated): gnomAD exomes below 0.00001; gnomAD 0.00001; TOPMed 0.00001.
gnomAD v4.1: 2 of 1,613,770 alleles (0.00012%); highest among the groups gnomAD compares: African/African-American, 0.0027%; no homozygotes.

Submissions (3):

CeGaT Center for Human Genetics Tuebingen
Classification: Likely benign. Last evaluated: 2026-06-01. Review status: criteria provided, single submitter. Criteria: CeGaT Center For Human Genetics Tuebingen Variant Classification Criteria Version 2. Collection method: clinical testing. Allele origin: germline. Affected: yes. Observed: 1 variant allele.
Comment: PDGFRA: BP4, BP7

Labcorp Genetics (formerly Invitae), Labcorp
Classification: Likely benign for Gastrointestinal stromal tumor. Last evaluated: 2024-01-03. Review status: criteria provided, single submitter. Criteria: Invitae Variant Classification Sherloc (09022015). Collection method: clinical testing. Allele origin: germline.

Ambry Genetics
Classification: Likely benign for Hereditary cancer-predisposing syndrome. Last evaluated: 2023-02-20. Review status: criteria provided, single submitter. Criteria: Ambry Variant Classification Scheme 2023. Collection method: clinical testing. Allele origin: germline.

NM_006206.6(PDGFRA):c.3018T>A (p.Gly1006=)

Gene: PDGFRA (platelet derived growth factor receptor alpha; plus strand). Cytogenetic location: 4q12.
Variant type: single nucleotide variant.
Coding change: c.3018T>A on transcript NM_006206.6 (MANE Select); coding-DNA position 3018, T replaced by A.
Protein change: p.Gly1006=; no amino-acid change (glycine 1006 retained).
Molecular consequence: synonymous variant.
Genome position (GRCh38, 1-based): chr4:54,290,450, T>A. VCF-style: chr4-54290450-T-A. GRCh37 (hg19) VCF-style: chr4-55156617-T-A.
Other names: c.3093T>A, p.Gly1031= (NM_001347828.2); c.3018T>A, p.Gly1006= (NM_001347829.2); c.3057T>A, p.Gly1019= (NM_001347830.2).
Identifiers: ClinVar variation 528651 (VCV000528651.13), dbSNP rs1207081282, ClinGen allele CA439408888.